The following is an entry in ClinVar:

ClinVar aggregate classification (germline): Uncertain significance (0 of 4 stars; one submission).

Conditions:
PCSK1-related disorder. Also called: PCSK1-related condition.

gnomAD v4.1: 1 of 1,613,942 alleles (0.000062%); highest among the groups gnomAD compares: African/African-American, 0.0013%; no homozygotes.

Submission:

PreventionGenetics, part of Exact Sciences
Classification: Uncertain significance for PCSK1-related condition. Last evaluated: 2023-11-08. Review status: no assertion criteria provided. Collection method: clinical testing. Allele origin: germline.
Comment: The PCSK1 c.877A>C variant is predicted to result in the amino acid substitution p.Lys293Gln. To our knowledge, this variant has not been reported in the literature or in a large population database, indicating this variant is rare. At this time, the clinical significance of this variant is uncertain due to the absence of conclusive functional and genetic evidence.

NM_000439.5(PCSK1):c.877A>C (p.Lys293Gln)

Genes: CAST (calpastatin; plus strand), PCSK1 (proprotein convertase subtilisin/kexin type 1; minus strand), LOC101929710 (uncharacterized LOC101929710; plus strand). Cytogenetic location: 5q15.
Variant type: single nucleotide variant.
Coding change: c.877A>C on transcript NM_000439.5 (MANE Select); coding-DNA position 877, A replaced by C.
Protein change: p.Lys293Gln; replaces lysine 293 with glutamine.
Molecular consequence: missense variant. On other transcripts: intron variant (11).
Genome position (GRCh38, 1-based): chr5:96,412,323, T>G on the plus strand (A>C on the coding strand, the complement: PCSK1 is on the minus strand). VCF-style: chr5-96412323-T-G. GRCh37 (hg19) VCF-style: chr5-95748027-T-G.
Other names: c.736A>C, p.Lys246Gln (NM_001177875.2); c.-175+32671T>G (NM_001423254.1, NM_001423259.1, NM_001423255.1 and 6 more transcripts); c.-103+32671T>G (NM_001423253.1); c.-40+32671T>G (NM_001423258.1); short protein forms K246Q, K293Q.
Identifiers: ClinVar variation 3349801 (VCV003349801.1).